The following is an entry in ClinVar:

ClinVar aggregate classification (germline): Pathogenic (1 of 4 stars; one submission).

Conditions:
Familial thoracic aortic aneurysm and aortic dissection (TAAD). Also called: Thoracic aortic aneurysms and dissections. Identifiers: Orphanet 91387, MedGen C4707243, MONDO:0019625.
Marfan syndrome (MFS). Also called: Marfan syndrome type 1; Marfan's syndrome; Marfan syndrome, classic; MARFAN SYNDROME, TYPE I; FBN1-Related Marfan Syndrome. Identifiers: Orphanet 284963, Orphanet 558, MedGen C0024796, MONDO:0007947, OMIM 154700.

Submission:

Labcorp Genetics (formerly Invitae), Labcorp
Classification: Pathogenic for Marfan syndrome; Familial thoracic aortic aneurysm and aortic dissection. Last evaluated: 2020-07-15. Review status: criteria provided, single submitter. Criteria: Invitae Variant Classification Sherloc (09022015). Collection method: clinical testing. Allele origin: germline.
Comment: This sequence change creates a premature translational stop signal (p.Phe1303Ilefs*6) in the FBN1 gene. It is expected to result in an absent or disrupted protein product. This variant is not present in population databases (ExAC no frequency). This variant has not been reported in the literature in individuals with FBN1-related conditions. Loss-of-function variants in FBN1 are known to be pathogenic (PMID: 17657824, 19293843). For these reasons, this variant has been classified as Pathogenic.

Literature cited by the submitters: PubMed 17657824; PubMed 19293843.

NM_000138.5(FBN1):c.3906dup (p.Phe1303fs)

Gene: FBN1 (fibrillin 1; minus strand). Cytogenetic location: 15q21.1.
Variant type: Duplication.
Coding change: c.3906dup on transcript NM_000138.5 (MANE Select); coding-DNA position 3906, one base duplicated (A; older notation c.3906dupA).
Protein change: p.Phe1303fs; shifts the reading frame from phenylalanine 1303.
Molecular consequence: frameshift variant.
Genome position (GRCh38, 1-based): chr15:48,481,713, T duplicated on the plus strand (A on the coding strand, the reverse complement: FBN1 is on the minus strand). VCF-style (leftmost placement, unchanged base first): chr15-48481712-A-AT. GRCh37 (hg19) VCF-style: chr15-48773909-A-AT.
Other names: short protein forms F1303fs.
Identifiers: ClinVar variation 1069957 (VCV001069957.2), dbSNP rs2141287368, ClinGen allele CA2499222995.